The following is an entry in ClinVar:

ClinVar aggregate classification (germline): Uncertain significance (0 of 4 stars; one submission).

Conditions:
KIDINS220-related disorder. Also called: KIDINS220-related condition.

Submission:

PreventionGenetics, part of Exact Sciences
Classification: Uncertain significance for KIDINS220-related condition. Last evaluated: 2023-12-11. Review status: no assertion criteria provided. Collection method: clinical testing. Allele origin: germline.
Comment: The KIDINS220 c.307-7dupT variant is predicted to result in an intronic duplication. To our knowledge, this variant has not been reported in the literature or in a large population database, indicating this variant is rare. At this time, the clinical significance of this variant is uncertain due to the absence of conclusive functional and genetic evidence.

NM_020738.4(KIDINS220):c.307-7dup

Gene: KIDINS220 (kinase D interacting substrate 220; minus strand). Cytogenetic location: 2p25.1.
Variant type: Duplication.
Coding change: c.307-7dup on transcript NM_020738.4 (MANE Select); 7 bases into the intron before coding-DNA position 307, one base duplicated (T; older notation c.307-7dupT).
Molecular consequence: intron variant.
Genome position (GRCh38, 1-based): chr2:8,813,342, A duplicated on the plus strand (T on the coding strand, the reverse complement: KIDINS220 is on the minus strand); the first of 6 consecutive A bases (chr2:8,813,342-8,813,347); duplicating any one gives the same sequence. VCF-style (leftmost placement, unchanged base first): chr2-8813341-C-CA. GRCh37 (hg19) VCF-style: chr2-8953471-C-CA.
Other names: c.307-7dup (NM_001348741.2, NM_001348738.2, NM_001348739.2 and 9 more transcripts); c.181-7dup (NM_001348736.2).
Identifiers: ClinVar variation 3348569 (VCV003348569.1).